The following is an entry in ClinVar:

ClinVar aggregate classification (germline): Uncertain significance (1 of 4 stars; one submission).

Allele frequency attached by ClinVar (database versions not stated): TOPMed below 0.00001.

Submission:

GeneDx
Classification: Uncertain significance. Last evaluated: 2025-10-04. Review status: criteria provided, single submitter. Criteria: GeneDx Variant Classification Process June 2021. Collection method: clinical testing. Allele origin: germline. Affected: yes.
Comment: Not observed at significant frequency in large population cohorts (gnomAD); In silico analysis suggests that this missense variant does not alter protein structure/function; Has not been previously published as pathogenic or benign to our knowledge

NM_006015.6(ARID1A):c.292C>T (p.Pro98Ser)

Gene: ARID1A (AT-rich interaction domain 1A; plus strand). Cytogenetic location: 1p36.11.
Variant type: single nucleotide variant.
Coding change: c.292C>T on transcript NM_006015.6 (MANE Select); coding-DNA position 292, C replaced by T.
Protein change: p.Pro98Ser; replaces proline 98 with serine.
Molecular consequence: missense variant.
Genome position (GRCh38, 1-based): chr1:26,696,695, C>T. VCF-style: chr1-26696695-C-T. GRCh37 (hg19) VCF-style: chr1-27023186-C-T.
Other names: c.292C>T, p.Pro98Ser (NM_139135.4); short protein forms P98S.
Identifiers: ClinVar variation 1712046 (VCV001712046.3), dbSNP rs866135587, ClinGen allele CA19640518.